The following is an entry in ClinVar:

NM_014915.3(ANKRD26):c.4196T>G (p.Ile1399Ser)

Gene: ANKRD26 (ankyrin repeat domain 26; minus strand). Cytogenetic location: 10p12.1.
Variant type: single nucleotide variant.
Coding change: c.4196T>G on transcript NM_014915.3 (MANE Select); coding-DNA position 4196, T replaced by G.
Protein change: p.Ile1399Ser; replaces isoleucine 1399 with serine.
Molecular consequence: missense variant.
Genome position (GRCh38, 1-based): chr10:27,022,577, A>C on the plus strand (T>G on the coding strand, the complement: ANKRD26 is on the minus strand). VCF-style: chr10-27022577-A-C. GRCh37 (hg19) VCF-style: chr10-27311506-A-C.
Other names: c.4193T>G, p.Ile1398Ser (NM_001256053.2); short protein forms I1398S, I1399S.
Identifiers: ClinVar variation 4859886 (VCV004859886.1).

ClinVar aggregate classification (germline): Uncertain significance (1 of 4 stars; one submission).

Conditions:
Inborn genetic diseases. Identifiers: MedGen C0950123, MeSH D030342.

gnomAD v4.1: 17 of 1,536,860 alleles (0.0011%); highest among the groups gnomAD compares: Non-Finnish European, 0.0015%; no homozygotes.

Submission:

Ambry Genetics
Classification: Uncertain significance for Inborn genetic diseases. Last evaluated: 2026-05-18. Review status: criteria provided, single submitter. Criteria: Ambry Variant Classification Scheme 2023. Collection method: clinical testing. Allele origin: germline.
Comment: The p.I1399S variant (also known as c.4196T>G), located in coding exon 29 of the ANKRD26 gene, results from a T to G substitution at nucleotide position 4196. The isoleucine at codon 1399 is replaced by serine, an amino acid with dissimilar properties. This amino acid position is conserved. In addition, this alteration is predicted to be tolerated by in silico analysis. Based on the available evidence, the clinical significance of this variant remains unclear.